The following is an entry in ClinVar:

ClinVar aggregate classification (germline): Uncertain significance (1 of 4 stars; one submission).

Allele frequency attached by ClinVar (database versions not stated): TOPMed below 0.00001; gnomAD 0.00001; gnomAD exomes 0.00001; ExAC 0.00002.
gnomAD v4.1: 20 of 1,597,886 alleles (0.0013%); highest among the groups gnomAD compares: South Asian, 0.0022%; no homozygotes.

Submission:

Labcorp Genetics (formerly Invitae), Labcorp
Classification: Uncertain significance. Last evaluated: 2024-10-24. Review status: criteria provided, single submitter. Criteria: Invitae Variant Classification Sherloc (09022015). Collection method: clinical testing. Allele origin: germline.
Comment: This sequence change falls in intron 25 of the FCHO1 gene. It does not directly change the encoded amino acid sequence of the FCHO1 protein. It affects a nucleotide within the consensus splice site. The frequency data for this variant in the population databases is considered unreliable, as metrics indicate poor data quality at this position in the gnomAD database. This variant has not been reported in the literature in individuals affected with FCHO1-related conditions. ClinVar contains an entry for this variant (Variation ID: 1021559). Variants that disrupt the consensus splice site are a relatively common cause of aberrant splicing (PMID: 17576681, 9536098). Algorithms developed to predict the effect of sequence changes on RNA splicing suggest that this variant is not likely to affect RNA splicing. In summary, the available evidence is currently insufficient to determine the role of this variant in disease. Therefore, it has been classified as a Variant of Uncertain Significance.

Literature cited by the submitters: PubMed 17576681; PubMed 9536098.

NM_015122.3(FCHO1):c.2226+4C>T

Gene: FCHO1 (FCH and mu domain containing endocytic adaptor 1; plus strand). Cytogenetic location: 19p13.11.
Variant type: single nucleotide variant.
Coding change: c.2226+4C>T on transcript NM_015122.3 (MANE Select); 4 bases into the intron after coding-DNA position 2226, C replaced by T.
Molecular consequence: intron variant.
Genome position (GRCh38, 1-based): chr19:17,784,239, C>T. VCF-style: chr19-17784239-C-T. GRCh37 (hg19) VCF-style: chr19-17895048-C-T.
Other names: c.2226+4C>T (NM_001384370.1, NM_001384376.1, NM_001384375.1 and 13 more transcripts); c.1950+4C>T (NM_001384396.1, NM_001384404.1, NM_001384398.1 and 5 more transcripts); c.2151+4C>T (NM_001384390.1); c.1800+4C>T (NM_001384406.1); c.1523+1067C>T (NM_001384407.1); c.2109+4C>T (NM_001384393.1, NM_001384394.1, NM_001384392.1 and 1 more transcripts); c.1905+4C>T (NM_001384403.1); c.2187+4C>T (NM_001384388.1, NM_001384389.1); and 2 more.
Identifiers: ClinVar variation 1021559 (VCV001021559.5), dbSNP rs780816760, ClinGen allele CA9300790.